The following is an entry in ClinVar:

NM_000301.5(PLG):c.1228C>A (p.Gln410Lys)

Gene: PLG (plasminogen; plus strand). Cytogenetic location: 6q26.
Variant type: single nucleotide variant.
Coding change: c.1228C>A on transcript NM_000301.5 (MANE Select); coding-DNA position 1228, C replaced by A.
Protein change: p.Gln410Lys; replaces glutamine 410 with lysine.
Molecular consequence: missense variant.
Genome position (GRCh38, 1-based): chr6:160,722,539, C>A. VCF-style: chr6-160722539-C-A. GRCh37 (hg19) VCF-style: chr6-161143571-C-A.
Other names: short protein forms Q410K.
Identifiers: ClinVar variation 3251530 (VCV003251530.1), dbSNP rs1177581207.

ClinVar aggregate classification (germline): Uncertain significance (1 of 4 stars; one submission).

Allele frequency attached by ClinVar (database versions not stated): gnomAD 0.00001.
gnomAD v4.1: 1 of 1,613,810 alleles (0.000062%); highest among the groups gnomAD compares: Admixed American, 0.0017%; no homozygotes.

Submission:

Women's Health and Genetics/Laboratory Corporation of America, LabCorp
Classification: Uncertain significance. Last evaluated: 2024-04-04. Review status: criteria provided, single submitter. Criteria: LabCorp Variant Classification Summary - May 2015. Collection method: clinical testing. Allele origin: germline.
Comment: Variant summary: PLG c.1228C>A (p.Gln410Lys) results in a conservative amino acid change located in the Kringle domain of the encoded protein sequence. Five of five in-silico tools predict a benign effect of the variant on protein function. The variant was absent in 251418 control chromosomes. The available data on variant occurrences in the general population are insufficient to allow any conclusion about variant significance. To our knowledge, no occurrence of c.1228C>A in individuals affected with Plasminogen Deficiency and no experimental evidence demonstrating its impact on protein function have been reported. No submitters have cited clinical-significance assessments for this variant to ClinVar. Based on the evidence outlined above, the variant was classified as uncertain significance.